The following is an entry in ClinVar:

ClinVar aggregate classification (germline): Benign/Likely benign. Review status: criteria provided, multiple submitters, no conflicts (2 of 4 stars). 4 submissions from 4 submitters: Benign (1); Likely benign (3). Last evaluated 2026-03-12.

Conditions:
ENG-related disorder. Also called: ENG-related condition; ENG-related disorders.
Hereditary hemorrhagic telangiectasia (HHT). Also called: ORW DISEASE; Osler Weber Rendu syndrome; OSLER-RENDU-WEBER DISEASE; Osler hemorrhagic telangiectasia syndrome. Identifiers: Orphanet 774, MedGen C0039445, MONDO:0019180. Disease mechanism: loss of function.
Telangiectasia, hereditary hemorrhagic, type 1 (HHT1). Also called: Osler Weber Rendu syndrome type 1; ENG-Related Hereditary Hemorrhagic Telangiectasia. Identifiers: Orphanet 774, MedGen C4551861, MONDO:0008535, OMIM 187300. Disease mechanism: loss of function.

Allele frequency attached by ClinVar (database versions not stated): gnomAD 0.00008 and 0.00009; TOPMed 0.00014; 1000 Genomes Project 30x 0.00078; 1000 Genomes Project 0.00040.
gnomAD v4.1: 85 of 1,613,346 alleles (0.0053%); highest among the groups gnomAD compares: East Asian, 0.16%; no homozygotes.

Submissions (4):

PreventionGenetics, part of Exact Sciences
Classification: Likely benign for ENG-related condition. Last evaluated: 2026-03-12. Review status: criteria provided, single submitter. Criteria: ACMG Guidelines, 2015. Collection method: clinical testing. Allele origin: germline.
Comment: This variant is classified as likely benign based on ACMG/AMP sequence variant interpretation guidelines (Richards et al. 2015 PMID: 25741868, with internal and published modifications).

Labcorp Genetics (formerly Invitae), Labcorp
Classification: Benign for Hereditary hemorrhagic telangiectasia. Last evaluated: 2025-12-19. Review status: criteria provided, single submitter. Criteria: Invitae Variant Classification Sherloc (09022015). Collection method: clinical testing. Allele origin: germline.

Blueprint Genetics
Classification: Likely benign. Last evaluated: 2024-02-14. Review status: criteria provided, single submitter. Criteria: ACMG Guidelines, 2015. Collection method: clinical testing. Allele origin: germline.

Illumina Laboratory Services, Illumina
Classification: Likely benign for Telangiectasia, hereditary hemorrhagic, type 1. Last evaluated: 2018-01-13. Review status: criteria provided, single submitter. Criteria: ICSL Variant Classification Criteria 13 December 2019. Collection method: clinical testing. Allele origin: germline.
Comment: This variant was observed in the ICSL laboratory as part of a predisposition screen in an ostensibly healthy population. It had not been previously curated by ICSL or reported in the Human Gene Mutation Database (HGMD: prior to June 1st, 2018), and was therefore a candidate for classification through an automated scoring system. Utilizing variant allele frequency, disease prevalence and penetrance estimates, and inheritance mode, an automated score was calculated to assess if this variant is too frequent to cause the disease. Based on the score and internal cut-off values, a variant classified as likely benign is not then subjected to further curation. The score for this variant resulted in a classification of likely benign for this disease.

NM_001114753.3(ENG):c.1135-7G>A

Genes: ENG (endoglin; minus strand), LOC102723566 (uncharacterized LOC102723566; plus strand). Cytogenetic location: 9q34.11.
Variant type: single nucleotide variant.
Coding change: c.1135-7G>A on transcript NM_001114753.3 (MANE Select); 7 bases into the intron before coding-DNA position 1135, G replaced by A.
Molecular consequence: intron variant.
Genome position (GRCh38, 1-based): chr9:127,820,044, C>T on the plus strand (G>A on the coding strand, the complement: ENG is on the minus strand). VCF-style: chr9-127820044-C-T. GRCh37 (hg19) VCF-style: chr9-130582323-C-T.
Other names: c.1135-7G>A (NM_000118.4); c.589-7G>A (NM_001278138.2).
Identifiers: ClinVar variation 237015 (VCV000237015.18), dbSNP rs201359896, ClinGen allele CA5252856.